The following is an entry in ClinVar:

NM_001846.4(COL4A2):c.1655C>G (p.Thr552Arg)

Genes: COL4A2 (collagen type IV alpha 2 chain; plus strand), COL4A2-AS2 (COL4A2 antisense RNA 2; minus strand). Cytogenetic location: 13q34.
Variant type: single nucleotide variant.
Coding change: c.1655C>G on transcript NM_001846.4 (MANE Select); coding-DNA position 1655, C replaced by G.
Protein change: p.Thr552Arg; replaces threonine 552 with arginine.
Molecular consequence: missense variant.
Genome position (GRCh38, 1-based): chr13:110,462,172, C>G. VCF-style: chr13-110462172-C-G. GRCh37 (hg19) VCF-style: chr13-111114519-C-G.
Other names: short protein forms T552R.
Identifiers: ClinVar variation 4070780 (VCV004070780.1).
Genomic context (GRCh38, chr13:110,462,172, plus strand): 5'-AGGGAGTGCCTGGCAACATTGGTGCTCCCGGACCCAAAGGAGCAAAAGGAGATTCCAGAA[C>G]AATCACAACCAAAGGTGAGTTCCTCTCTGGCCACGCGGCCCCTGGGGCACTGAGCCTTCC-3'
Protein context (NP_001837.2, residues 542-562): GPKGAKGDSR[Thr552Arg]ITTKGERGQP

ClinVar aggregate classification (germline): Uncertain significance (1 of 4 stars; one submission).

Submission:

GeneDx
Classification: Uncertain significance. Last evaluated: 2025-01-16. Review status: criteria provided, single submitter. Criteria: GeneDx Variant Classification Process June 2021. Collection method: clinical testing. Allele origin: germline. Affected: yes.
Comment: Not observed at significant frequency in large population cohorts (gnomAD); In silico analysis indicates that this missense variant does not alter protein structure/function; Has not been previously published as pathogenic or benign to our knowledge.